The following is an entry in ClinVar:

NM_002617.4(PEX10):c.22_28delinsACCTGCGCCGCC (p.Pro8fs)

Gene: PEX10 (peroxisomal biogenesis factor 10; minus strand). Cytogenetic location: 1p36.32.
Variant type: Indel.
Coding change: c.22_28delinsACCTGCGCCGCC on transcript NM_002617.4 (MANE Select); coding-DNA positions 22 to 28, CCCCCGG replaced by ACCTGCGCCGCC.
Protein change: p.Pro8fs; shifts the reading frame from proline 8.
Molecular consequence: frameshift variant. On other transcripts: intron variant (2).
Genome position (GRCh38, 1-based): chr1:2,412,475-2,412,481, CCGGGGG replaced by GGCGGCGCAGGT on the plus strand (CCCCCGG replaced by ACCTGCGCCGCC on the coding strand, the reverse complement: PEX10 is on the minus strand). VCF-style: chr1-2412475-CCGGGGG-GGCGGCGCAGGT. GRCh37 (hg19) VCF-style: chr1-2343914-CCGGGGG-GGCGGCGCAGGT.
Other names: c.22_28delinsACCTGCGCCGCC, p.Pro8fs (NM_001374425.1, NM_153818.2); c.-321+1116_-321+1122delinsACCTGCGCCGCC (NM_001374427.1, NM_001374426.1); short protein forms P8fs.
Identifiers: ClinVar variation 4816946 (VCV004816946.1).

ClinVar aggregate classification (germline): Likely pathogenic (1 of 4 stars; one submission).

Conditions:
Zellweger spectrum disorders (ZS). Also called: Zellweger Spectrum Disorder (ZSD); Zellweger syndrome; Zellweger Spectrum Disorder; Zellweger Spectrum. Identifiers: Orphanet 912, MedGen C0043459, MONDO:0019609.

Submission:

Natera, Inc.
Classification: Likely pathogenic for Zellweger syndrome. Last evaluated: 2026-01-26. Review status: criteria provided, single submitter. Criteria: Natera Variant Classification Schema (03/2026). Collection method: clinical testing. Allele origin: germline.
Comment: The c.22_28delCCCCCGGinsACCTGCGCCGCC variant in PEX10 is a frameshift variant predicted to shift the reading frame beginning at codon 8 and leads to a stop codon 6 codons downstream. This variant is expected to result in nonsense mediated decay, truncation, or a dysfunctional protein product. This variant is rare in the general population with a frequency below the threshold expected for the associated phenotype(s). Given the available evidence, this variant is classified as Likely Pathogenic.